The following is an entry in ClinVar:

NM_000426.4(LAMA2):c.1609A>T (p.Ile537Leu)

Gene: LAMA2 (laminin subunit alpha 2; plus strand). Cytogenetic location: 6q22.33.
Variant type: single nucleotide variant.
Coding change: c.1609A>T on transcript NM_000426.4 (MANE Select); coding-DNA position 1609, A replaced by T.
Protein change: p.Ile537Leu; replaces isoleucine 537 with leucine.
Molecular consequence: missense variant.
Genome position (GRCh38, 1-based): chr6:129,192,680, A>T. VCF-style: chr6-129192680-A-T. GRCh37 (hg19) VCF-style: chr6-129513825-A-T.
Other names: c.1609A>T, p.Ile537Leu (NM_001079823.2); short protein forms I537L.
Identifiers: ClinVar variation 567365 (VCV000567365.6), dbSNP rs148262047, ClinGen allele CA3992677.
Genomic context (GRCh38, chr6:129,192,680, plus strand): 5'-GAGAAAAGCAGCTGATAGATATTTTTTAAAAATTAATGATGACTGTGTGTTTTCTCTAAG[A>T]TACAAGATATGAGTGGCTGGTATCTGACTGACCTTCCTGGCCGCATTCGAGTGGCTCCCC-3'
Protein context (NP_000417.3, residues 527-547): CQSSYWTYGK[Ile537Leu]QDMSGWYLTD

ClinVar aggregate classification (germline): Uncertain significance (1 of 4 stars; one submission).

Conditions:
LAMA2-related muscular dystrophy (LAMA2-RD). Also called: Laminin alpha 2-related dystrophy. Identifiers: MedGen C5679788, MONDO:0100228.

Allele frequency attached by ClinVar (database versions not stated): gnomAD exomes below 0.00001; TOPMed below 0.00001; ExAC 0.00001; gnomAD 0.00001; ESP Exome Variant Server 0.00008; 1000 Genomes Project 30x 0.00016; 1000 Genomes Project 0.00020.
gnomAD v4.1: 3 of 1,613,882 alleles (0.00019%); highest among the groups gnomAD compares: African/African-American, 0.004%; no homozygotes.

Submission:

Labcorp Genetics (formerly Invitae), Labcorp
Classification: Uncertain significance for LAMA2-related muscular dystrophy. Last evaluated: 2022-10-17. Review status: criteria provided, single submitter. Criteria: Invitae Variant Classification Sherloc (09022015). Collection method: clinical testing. Allele origin: germline.
Comment: This sequence change replaces isoleucine, which is neutral and non-polar, with leucine, which is neutral and non-polar, at codon 537 of the LAMA2 protein (p.Ile537Leu). This variant is present in population databases (rs148262047, gnomAD 0.007%). This variant has not been reported in the literature in individuals affected with LAMA2-related conditions. ClinVar contains an entry for this variant (Variation ID: 567365). Algorithms developed to predict the effect of missense changes on protein structure and function (SIFT, PolyPhen-2, Align-GVGD) all suggest that this variant is likely to be tolerated. In summary, the available evidence is currently insufficient to determine the role of this variant in disease. Therefore, it has been classified as a Variant of Uncertain Significance.